The following is an entry in ClinVar:

NM_003718.5(CDK13):c.1736C>T (p.Ser579Phe)

Gene: CDK13 (cyclin dependent kinase 13; plus strand). Cytogenetic location: 7p14.1.
Variant type: single nucleotide variant.
Coding change: c.1736C>T on transcript NM_003718.5 (MANE Select); coding-DNA position 1736, C replaced by T.
Protein change: p.Ser579Phe; replaces serine 579 with phenylalanine.
Molecular consequence: missense variant.
Genome position (GRCh38, 1-based): chr7:39,988,123, C>T. VCF-style: chr7-39988123-C-T. GRCh37 (hg19) VCF-style: chr7-40027722-C-T.
Other names: c.1736C>T, p.Ser579Phe (NM_031267.4); short protein forms S579F.
Identifiers: ClinVar variation 2188635 (VCV002188635.4), dbSNP rs766263341, ClinGen allele CA4228554.

ClinVar aggregate classification (germline): Uncertain significance (1 of 4 stars; one submission).

Allele frequency attached by ClinVar (database versions not stated): gnomAD exomes 0.00001; ExAC 0.00003.
gnomAD v4.1: 5 of 1,614,046 alleles (0.00031%); highest among the groups gnomAD compares: Admixed American, 0.0083%; no homozygotes.

Submission:

Labcorp Genetics (formerly Invitae), Labcorp
Classification: Uncertain significance. Last evaluated: 2024-11-03. Review status: criteria provided, single submitter. Criteria: Invitae Variant Classification Sherloc (09022015). Collection method: clinical testing. Allele origin: germline.
Comment: This sequence change replaces serine, which is neutral and polar, with phenylalanine, which is neutral and non-polar, at codon 579 of the CDK13 protein (p.Ser579Phe). This variant is present in population databases (rs766263341, gnomAD 0.006%). This variant has not been reported in the literature in individuals affected with CDK13-related conditions. ClinVar contains an entry for this variant (Variation ID: 2188635). Invitae Evidence Modeling of protein sequence and biophysical properties (such as structural, functional, and spatial information, amino acid conservation, physicochemical variation, residue mobility, and thermodynamic stability) indicates that this missense variant is not expected to disrupt CDK13 protein function with a negative predictive value of 95%. In summary, the available evidence is currently insufficient to determine the role of this variant in disease. Therefore, it has been classified as a Variant of Uncertain Significance.